The following is an entry in ClinVar:

ClinVar aggregate classification (germline): Uncertain significance (1 of 4 stars; one submission).

Conditions:
CHARGE syndrome (CHARGE). Also called: Hittner Hirsch Kreh syndrome; CHARGE ASSOCIATION--COLOBOMA, HEART ANOMALY, CHOANAL ATRESIA, RETARDATION, GENITAL AND EAR ANOMALIES; Coloboma, heart anomaly, choanal atresia, retardation, genital and ear anomalies; CHARGE association; Hall-Hittner syndrome. Identifiers: Orphanet 138, MedGen C0265354, MONDO:0008965.

Allele frequency attached by ClinVar (database versions not stated): gnomAD exomes below 0.00001; TOPMed 0.00001.
gnomAD v4.1: 1 of 1,612,134 alleles (0.000062%); highest among the groups gnomAD compares: Non-Finnish European, 0.000085%; no homozygotes.

Submission:

Labcorp Genetics (formerly Invitae), Labcorp
Classification: Uncertain significance for CHARGE syndrome. Last evaluated: 2024-01-16. Review status: criteria provided, single submitter. Criteria: Invitae Variant Classification Sherloc (09022015). Collection method: clinical testing. Allele origin: germline.
Comment: This sequence change replaces alanine, which is neutral and non-polar, with threonine, which is neutral and polar, at codon 401 of the CHD7 protein (p.Ala401Thr). This variant is not present in population databases (gnomAD no frequency). This variant has not been reported in the literature in individuals affected with CHD7-related conditions. Advanced modeling of protein sequence and biophysical properties (such as structural, functional, and spatial information, amino acid conservation, physicochemical variation, residue mobility, and thermodynamic stability) performed at Invitae indicates that this missense variant is not expected to disrupt CHD7 protein function with a negative predictive value of 95%. In summary, the available evidence is currently insufficient to determine the role of this variant in disease. Therefore, it has been classified as a Variant of Uncertain Significance.

NM_017780.4(CHD7):c.1201G>A (p.Ala401Thr)

Gene: CHD7 (chromodomain helicase DNA binding protein 7; plus strand). Cytogenetic location: 8q12.2.
Variant type: single nucleotide variant.
Coding change: c.1201G>A on transcript NM_017780.4 (MANE Select); coding-DNA position 1201, G replaced by A.
Protein change: p.Ala401Thr; replaces alanine 401 with threonine.
Molecular consequence: missense variant.
Genome position (GRCh38, 1-based): chr8:60,742,633, G>A. VCF-style: chr8-60742633-G-A. GRCh37 (hg19) VCF-style: chr8-61655192-G-A.
Other names: c.1201G>A, p.Ala401Thr (NM_001316690.1); short protein forms A401T.
Identifiers: ClinVar variation 2746031 (VCV002746031.3), dbSNP rs1809104140, ClinGen allele CA371301789.